The following is an entry in ClinVar:

NM_016203.4(PRKAG2):c.303T>C (p.Ser101=)

Gene: PRKAG2 (protein kinase AMP-activated non-catalytic subunit gamma 2; minus strand). Cytogenetic location: 7q36.1.
Variant type: single nucleotide variant.
Coding change: c.303T>C on transcript NM_016203.4 (MANE Select); coding-DNA position 303, T replaced by C.
Protein change: p.Ser101=; no amino-acid change (serine 101 retained).
Molecular consequence: synonymous variant.
Genome position (GRCh38, 1-based): chr7:151,781,315, A>G on the plus strand (T>C on the coding strand, the complement: PRKAG2 is on the minus strand). VCF-style: chr7-151781315-A-G. GRCh37 (hg19) VCF-style: chr7-151478401-A-G.
Other names: c.171T>C, p.Ser57= (NM_001040633.2).
Identifiers: ClinVar variation 515245 (VCV000515245.19), dbSNP rs774628602, ClinGen allele CA056692.

ClinVar aggregate classification (germline): Likely benign. Review status: criteria provided, multiple submitters, no conflicts (2 of 4 stars). 6 submissions from 6 submitters: Likely benign (6). Last evaluated 2025-10-25.

Conditions:
Cardiovascular phenotype. Identifiers: MedGen CN230736.
Cardiomyopathy (CMYO). Also called: Cardiomyopathies. Identifiers: Orphanet 167848, MedGen C0878544, MONDO:0004994, HP:0001638. Inheritance: Various modes of inheritance.
Lethal congenital glycogen storage disease of heart. Also called: PHOSPHORYLASE KINASE DEFICIENCY OF HEART; GLYCOGEN STORAGE DISEASE OF HEART. Identifiers: Orphanet 439854, MedGen C1849813, MONDO:0009867, OMIM 261740.
Hypertrophic cardiomyopathy. Also called: HYPERTROPHIC MYOCARDIOPATHY. Identifiers: Orphanet 217569, MedGen C0007194, MeSH D002312, MONDO:0005045, HP:0001639.

Allele frequency attached by ClinVar (database versions not stated): gnomAD exomes below 0.00001 and 0.00001; ExAC 0.00002.
gnomAD v4.1: 9 of 1,613,926 alleles (0.00056%); highest among the groups gnomAD compares: Middle Eastern, 0.066%; no homozygotes.

Submissions (6):

Labcorp Genetics (formerly Invitae), Labcorp
Classification: Likely benign for Lethal congenital glycogen storage disease of heart. Last evaluated: 2025-10-25. Review status: criteria provided, single submitter. Criteria: Invitae Variant Classification Sherloc (09022015). Collection method: clinical testing. Allele origin: germline.

All of Us Research Program, National Institutes of Health
Classification: Likely benign for Hypertrophic cardiomyopathy. Last evaluated: 2023-12-01. Review status: criteria provided, single submitter. Criteria: ACMG Guidelines, 2015. Collection method: clinical testing. Allele origin: germline. Inheritance: Autosomal dominant inheritance. Observed: 1 variant allele, 1 heterozygote.
Comment: This study involves interpretation of variants in research participants for the purpose of population health screening. Participant phenotype was not available at the time of variant classification. Additional details can be found in publication PMID: 35346344, PMCID: PMC8962531

Blueprint Genetics
Classification: Likely benign. Last evaluated: 2023-06-20. Review status: criteria provided, single submitter. Criteria: ACMG Guidelines, 2015. Collection method: clinical testing. Allele origin: germline.

Ambry Genetics
Classification: Likely benign for Cardiovascular phenotype. Last evaluated: 2022-01-30. Review status: criteria provided, single submitter. Criteria: Ambry Variant Classification Scheme 2023. Collection method: clinical testing. Allele origin: germline.

GeneDx
Classification: Likely benign. Last evaluated: 2019-12-26. Review status: criteria provided, single submitter. Criteria: GeneDx Variant Classification Process June 2021. Collection method: clinical testing. Allele origin: germline. Affected: yes.

Color Diagnostics, LLC DBA Color Health
Classification: Likely benign for Cardiomyopathy. Last evaluated: 2019-09-30. Review status: criteria provided, single submitter. Criteria: ACMG Guidelines, 2015. Collection method: clinical testing. Allele origin: germline.